The following is an entry in ClinVar:

ClinVar aggregate classification (germline): Pathogenic/Likely pathogenic. Review status: criteria provided, multiple submitters, no conflicts (2 of 4 stars). 3 submissions from 3 submitters: Pathogenic (1); Likely pathogenic (2). Last evaluated 2025-07-24.

Conditions:
Epidermolysis bullosa dystrophica. Also called: Dystrophic epidermolysis bullosa, Hallopeau-Siemens type (formerly); Dystrophic epidermolysis bullosa. Identifiers: Orphanet 303, MedGen C0079294, MONDO:0006543.
Recessive dystrophic epidermolysis bullosa (RDEB). Also called: severe generalized recessive dystrophic epidermolysis bullosa; epidermolysis bullosa dystrophica, autosomal recessive; EPIDERMOLYSIS BULLOSA DYSTROPHICA, GENERALIZED SEVERE, AUTOSOMAL RECESSIVE; Epidermolysis Bullosa Distrophica Autosomal Recessive (RDEB); Recessive DEB (RDEB); DYSTROPHIC EPIDERMOLYSIS BULLOSA, AUTOSOMAL RECESSIVE. Identifiers: Orphanet 79408, Orphanet 79409, MedGen C0079474, MONDO:0009179, OMIM 226600.

Allele frequency attached by ClinVar (database versions not stated): gnomAD exomes below 0.00001.

Submissions (3):

Myriad Genetics, Inc.
Classification: Likely pathogenic for Recessive dystrophic epidermolysis bullosa. Last evaluated: 2025-07-24. Review status: criteria provided, single submitter. Criteria: Myriad Autosomal Dominant, Autosomal Recessive and X-Linked Classification Criteria (2023). Collection method: clinical testing. Allele origin: unknown.
Comment: NM_000094.3(COL7A1):c.3940G>A(G1314R) is a missense variant classified as likely pathogenic in the context of dystrophic epidermolysis bullosa. G1314R has been observed in a case with relevant disease (PMID: 19681861). Relevant functional assessments of this variant are not available in the literature. Internal structural analysis of the variant is supportive of pathogenicity. G1314R has been observed in referenced population frequency databases. In summary, NM_000094.3(COL7A1):c.3940G>A(G1314R) is a missense variant that has internal structural support for pathogenicity and has been observed more frequently in cases with the relevant disease than in healthy populations. Please note: this variant was assessed in the context of healthy population screening.

Natera, Inc.
Classification: Likely pathogenic for Dystrophic epidermolysis bullosa. Last evaluated: 2024-11-06. Review status: criteria provided, single submitter. Criteria: Natera Variant Classification Schema (03/2026). Collection method: clinical testing. Allele origin: germline.
Comment: The c.3940G>A variant in COL7A1 is a missense variant predicted to cause substitution of glycine to arginine at amino acid 1314. This variant is rare in the general population with a frequency below the threshold expected for the associated phenotype(s). This variant has been observed in one or more individuals affected with the associated recessive disease, as either homozygous or compound heterozygous with a second variant (PMID: 19681861). This variant has been identified in one or more affected individuals with a phenotype highly consistent with the associated gene (PMID: 19681861). Computational prediction algorithms indicate this variant is likely to affect gene or protein function. Given the available evidence, this variant is classified as Likely Pathogenic.

Labcorp Genetics (formerly Invitae), Labcorp
Classification: Pathogenic. Last evaluated: 2023-10-24. Review status: criteria provided, single submitter. Criteria: Invitae Variant Classification Sherloc (09022015). Collection method: clinical testing. Allele origin: germline.
Comment: This sequence change replaces glycine, which is neutral and non-polar, with arginine, which is basic and polar, at codon 1314 of the COL7A1 protein (p.Gly1314Arg). This variant is present in population databases (no rsID available, gnomAD 0.0009%). This missense change has been observed in individual(s) with autosomal recessive dystrophic epidermolysis bullosa (PMID: 19681861; Invitae). ClinVar contains an entry for this variant (Variation ID: 2203375). Advanced modeling of protein sequence and biophysical properties (such as structural, functional, and spatial information, amino acid conservation, physicochemical variation, residue mobility, and thermodynamic stability) performed at Invitae indicates that this missense variant is expected to disrupt COL7A1 protein function with a positive predictive value of 95%. This variant disrupts the triple helix domain of COL7A1. Glycine residues within the Gly-Xaa-Yaa repeats of the triple helix domain are required for the structure and stability of fibrillar collagens (PMID: 7695699, 8218237, 19344236), and variants at these glycine residues in COL7A1 are more frequently observed in individuals with disease than in the general population (PMID: 22058051). However, the clinical significance of this observation remains uncertain since only a limited number of affected individuals have been described to date. For these reasons, this variant has been classified as Pathogenic.

Literature cited by the submitters: PubMed 19681861 (cited by 3 submitters); PubMed 7695699 (cited by Labcorp Genetics (formerly Invitae), Labcorp); PubMed 8218237 (cited by Labcorp Genetics (formerly Invitae), Labcorp); PubMed 19344236 (cited by Labcorp Genetics (formerly Invitae), Labcorp); PubMed 22058051 (cited by Labcorp Genetics (formerly Invitae), Labcorp).

NM_000094.4(COL7A1):c.3940G>A (p.Gly1314Arg)

Gene: COL7A1 (collagen type VII alpha 1 chain; minus strand). Cytogenetic location: 3p21.31.
Variant type: single nucleotide variant.
Coding change: c.3940G>A on transcript NM_000094.4 (MANE Select); coding-DNA position 3940, G replaced by A.
Protein change: p.Gly1314Arg; replaces glycine 1314 with arginine.
Molecular consequence: missense variant.
Genome position (GRCh38, 1-based): chr3:48,585,071, C>T on the plus strand (G>A on the coding strand, the complement: COL7A1 is on the minus strand). VCF-style: chr3-48585071-C-T. GRCh37 (hg19) VCF-style: chr3-48622504-C-T.
Other names: short protein forms G1314R.
Identifiers: ClinVar variation 2203375 (VCV002203375.6), dbSNP rs1266893039, ClinGen allele CA352698092.